The following is an entry in ClinVar:

NM_024721.5(ZFHX4):c.1177G>C (p.Glu393Gln)

Gene: ZFHX4 (zinc finger homeobox 4; plus strand). Cytogenetic location: 8q21.13.
Variant type: single nucleotide variant.
Coding change: c.1177G>C on transcript NM_024721.5 (MANE Select); coding-DNA position 1177, G replaced by C.
Protein change: p.Glu393Gln; replaces glutamic acid 393 with glutamine.
Molecular consequence: missense variant.
Genome position (GRCh38, 1-based): chr8:76,705,265, G>C. VCF-style: chr8-76705265-G-C. GRCh37 (hg19) VCF-style: chr8-77617500-G-C.
Other names: short protein forms E393Q.
Identifiers: ClinVar variation 724846 (VCV000724846.30), dbSNP rs189444720, ClinGen allele CA4786774.

ClinVar aggregate classification (germline): Benign/Likely benign. Review status: criteria provided, multiple submitters, no conflicts (2 of 4 stars). 5 submissions from 5 submitters: Benign (1); Likely benign (3). 1 of the submissions does not count toward it. Last evaluated 2026-03-01.

Conditions:
ZFHX4-related disorder. Also called: ZFHX4-related condition.

Allele frequency attached by ClinVar (database versions not stated): 1000 Genomes Project 30x 0.00094; 1000 Genomes Project 0.00120; ExAC 0.00165; gnomAD exomes 0.00177 and 0.00393; gnomAD 0.00224 and 0.00226; TOPMed 0.00235; ESP Exome Variant Server 0.00293.
gnomAD v4.1: 6,088 of 1,614,038 alleles (0.38%); highest among the groups gnomAD compares: Non-Finnish European, 0.48%; 23 homozygotes.

Submissions (5):

CeGaT Center for Human Genetics Tuebingen
Classification: Benign. Last evaluated: 2026-03-01. Review status: criteria provided, single submitter. Criteria: CeGaT Center For Human Genetics Tuebingen Variant Classification Criteria Version 2. Collection method: clinical testing. Allele origin: germline. Affected: yes. Observed: 8 variant alleles.
Comment: ZFHX4: BP4, BS1, BS2

Blueprint Genetics
Classification: Likely benign. Last evaluated: 2024-11-26. Review status: criteria provided, single submitter. Criteria: ACMG Guidelines, 2015. Collection method: clinical testing. Allele origin: germline.

Labcorp Genetics (formerly Invitae), Labcorp
Classification: Likely benign. Last evaluated: 2018-07-06. Review status: criteria provided, single submitter. Criteria: Invitae Variant Classification Sherloc (09022015). Collection method: clinical testing. Allele origin: germline.

Breakthrough Genomics
Classification: Likely benign. Review status: criteria provided, single submitter. Criteria: ACMG Guidelines, 2015. Collection method: not provided. Allele origin: germline. Inheritance: Autosomal dominant inheritance. Affected: yes.

PreventionGenetics, part of Exact Sciences
Classification: Likely benign for ZFHX4-related condition. Last evaluated: 2022-02-11. Review status: no assertion criteria provided. Collection method: clinical testing. Allele origin: germline. Not counted in ClinVar's aggregate classification.
Comment: This variant is classified as likely benign based on ACMG/AMP sequence variant interpretation guidelines (Richards et al. 2015 PMID: 25741868, with internal and published modifications).